The following is an entry in ClinVar:

NM_001130438.3(SPTAN1):c.4358A>T (p.Asp1453Val)

Gene: SPTAN1 (spectrin alpha, non-erythrocytic 1; plus strand). Cytogenetic location: 9q34.11.
Variant type: single nucleotide variant.
Coding change: c.4358A>T on transcript NM_001130438.3 (MANE Select); coding-DNA position 4358, A replaced by T.
Protein change: p.Asp1453Val; replaces aspartic acid 1453 with valine.
Molecular consequence: missense variant.
Genome position (GRCh38, 1-based): chr9:128,608,143, A>T. VCF-style: chr9-128608143-A-T. GRCh37 (hg19) VCF-style: chr9-131370422-A-T.
Other names: c.4298A>T, p.Asp1433Val (NM_001195532.2, NM_001363765.2, NM_001375314.2 and 3 more transcripts); c.4358A>T, p.Asp1453Val (NM_001363759.2, NM_001375310.1, NM_001375311.2 and 4 more transcripts); c.4394A>T, p.Asp1465Val (NM_001375312.2, NM_001375318.1, NM_001438440.1); short protein forms D1453V, D1433V, D1465V.
Identifiers: ClinVar variation 5008188 (VCV005008188.1).

ClinVar aggregate classification (germline): Uncertain significance (1 of 4 stars; one submission).

Submission:

GeneDx
Classification: Uncertain significance. Last evaluated: 2026-02-27. Review status: criteria provided, single submitter. Criteria: GeneDx Variant Classification Process June 2021. Collection method: clinical testing. Allele origin: germline.
Comment: Not observed at significant frequency in large population cohorts (gnomAD); In silico analysis supports that this missense variant has a deleterious effect on protein structure/function; Has not been previously published as pathogenic or benign to our knowledge